The following is an entry in ClinVar:

ClinVar aggregate classification (germline): Uncertain significance (1 of 4 stars; one submission).

Submission:

GeneDx
Classification: Uncertain significance. Last evaluated: 2025-02-06. Review status: criteria provided, single submitter. Criteria: GeneDx Variant Classification Process June 2021. Collection method: clinical testing. Allele origin: germline. Affected: yes.
Comment: Not observed at significant frequency in large population cohorts (gnomAD); Nonsense variant predicted to result in protein truncation or nonsense mediated decay in a gene or region of a gene for which loss of function is not a well-established mechanism of disease; Has not been previously published as pathogenic or benign to our knowledge

NM_020134.4(DPYSL5):c.842T>A (p.Leu281Ter)

Gene: DPYSL5 (dihydropyrimidinase like 5; plus strand). Cytogenetic location: 2p23.3.
Variant type: single nucleotide variant.
Coding change: c.842T>A on transcript NM_020134.4 (MANE Select); coding-DNA position 842, T replaced by A.
Protein change: p.Leu281Ter; replaces leucine 281 with a stop codon.
Molecular consequence: nonsense.
Genome position (GRCh38, 1-based): chr2:26,934,629, T>A. VCF-style: chr2-26934629-T-A. GRCh37 (hg19) VCF-style: chr2-27157497-T-A.
Other names: c.842T>A, p.Leu281Ter (NM_001253723.2, NM_001253724.2); short protein forms L281*.
Identifiers: ClinVar variation 4074470 (VCV004074470.1).